The following is an entry in ClinVar:

ClinVar aggregate classification (germline): Uncertain significance (1 of 4 stars; one submission).

Submission:

GeneDx
Classification: Uncertain significance. Last evaluated: 2026-02-13. Review status: criteria provided, single submitter. Criteria: GeneDx Variant Classification Process June 2021. Collection method: clinical testing. Allele origin: germline.
Comment: Not observed at significant frequency in large population cohorts (gnomAD); In silico analysis supports that this missense variant has a deleterious effect on protein structure/function; Has not been previously published as pathogenic or benign to our knowledge; Not located in one of the three hot-spot regions of the RYR2 gene, where the majority of pathogenic missense variants occur (PMID: 19926015); This variant is associated with the following publications: (PMID: 19926015)

NM_001035.3(RYR2):c.9668A>T (p.Glu3223Val)

Gene: RYR2 (ryanodine receptor 2; plus strand). Cytogenetic location: 1q43.
Variant type: single nucleotide variant.
Coding change: c.9668A>T on transcript NM_001035.3 (MANE Select); coding-DNA position 9668, A replaced by T.
Protein change: p.Glu3223Val; replaces glutamic acid 3223 with valine.
Molecular consequence: missense variant.
Genome position (GRCh38, 1-based): chr1:237,707,036, A>T. VCF-style: chr1-237707036-A-T. GRCh37 (hg19) VCF-style: chr1-237870336-A-T.
Other names: short protein forms E3223V.
Identifiers: ClinVar variation 5007923 (VCV005007923.1).